The following is an entry in ClinVar:

NM_001252102.2(KIF21B):c.1814G>A (p.Arg605His)

Gene: KIF21B (kinesin family member 21B; minus strand). Cytogenetic location: 1q32.1.
Variant type: single nucleotide variant.
Coding change: c.1814G>A on transcript NM_001252102.2 (MANE Select); coding-DNA position 1814, G replaced by A.
Protein change: p.Arg605His; replaces arginine 605 with histidine.
Molecular consequence: missense variant.
Genome position (GRCh38, 1-based): chr1:200,999,420, C>T on the plus strand (G>A on the coding strand, the complement: KIF21B is on the minus strand). VCF-style: chr1-200999420-C-T. GRCh37 (hg19) VCF-style: chr1-200968548-C-T.
Other names: c.1814G>A (NM_017596.2); c.1814G>A, p.Arg605His (NM_001252100.2, NM_001252103.2, NM_017596.4); short protein forms R605H.
Identifiers: ClinVar variation 2639738 (VCV002639738.24), dbSNP rs147761216, ClinGen allele CA1321194.

ClinVar aggregate classification (germline): Conflicting classifications of pathogenicity. Review status: criteria provided, conflicting classifications (1 of 4 stars). 2 submissions from 2 submitters: Uncertain significance (1); Likely benign (1). Last evaluated 2025-10-07.

Allele frequency attached by ClinVar (database versions not stated): ExAC 0.00003; TOPMed 0.00005; gnomAD 0.00006; ESP Exome Variant Server 0.00008.
gnomAD v4.1: 39 of 1,614,014 alleles (0.0024%); highest among the groups gnomAD compares: African/African-American, 0.0093%; no homozygotes.

Submissions (2):

Ambry Genetics
Classification: Uncertain significance. Last evaluated: 2025-10-07. Review status: criteria provided, single submitter. Criteria: Ambry Variant Classification Scheme 2023. Collection method: clinical testing. Allele origin: germline.

CeGaT Center for Human Genetics Tuebingen
Classification: Likely benign. Last evaluated: 2023-09-01. Review status: criteria provided, single submitter. Criteria: CeGaT Center For Human Genetics Tuebingen Variant Classification Criteria Version 2. Collection method: clinical testing. Allele origin: germline. Affected: yes. Observed: 1 variant allele.
Comment: KIF21B: BS2